The following is an entry in ClinVar:

ClinVar aggregate classification (germline): Pathogenic (1 of 4 stars; one submission).

Conditions:
Hypertrophic cardiomyopathy. Also called: HYPERTROPHIC MYOCARDIOPATHY. Identifiers: Orphanet 217569, MedGen C0007194, MeSH D002312, MONDO:0005045, HP:0001639.

Submission:

Labcorp Genetics (formerly Invitae), Labcorp
Classification: Pathogenic for Hypertrophic cardiomyopathy. Last evaluated: 2021-11-25. Review status: criteria provided, single submitter. Criteria: Invitae Variant Classification Sherloc (09022015). Collection method: clinical testing. Allele origin: germline.
Comment: This sequence change creates a premature translational stop signal (p.Thr1101Argfs*86) in the MYBPC3 gene. It is expected to result in an absent or disrupted protein product. Loss-of-function variants in MYBPC3 are known to be pathogenic (PMID: 19574547). This variant is not present in population databases (gnomAD no frequency). This variant has not been reported in the literature in individuals affected with MYBPC3-related conditions. For these reasons, this variant has been classified as Pathogenic.

Literature cited by the submitters: PubMed 19574547.

NM_000256.3(MYBPC3):c.3302_3308del (p.Thr1101fs)

Gene: MYBPC3 (myosin binding protein C3; minus strand). Cytogenetic location: 11p11.2.
Variant type: Deletion.
Coding change: c.3302_3308del on transcript NM_000256.3 (MANE Select); coding-DNA positions 3302 to 3308, 7 bases deleted (CAGTGCA; older notation c.3302_3308delCAGTGCA).
Protein change: p.Thr1101fs; shifts the reading frame from threonine 1101.
Molecular consequence: frameshift variant.
Genome position (GRCh38, 1-based): chr11:47,333,216-47,333,222, TGCACTG deleted on the plus strand (CAGTGCA on the coding strand, the reverse complement: MYBPC3 is on the minus strand); deleting any 7 consecutive bases within chr11:47,333,216-47,333,224 gives the same sequence; the c. name uses the placement nearest the transcript's 3' end. VCF-style (leftmost placement, unchanged base first): chr11-47333215-CTGCACTG-C. GRCh37 (hg19) VCF-style: chr11-47354766-CTGCACTG-C.
Other names: short protein forms T1101fs.
Identifiers: ClinVar variation 1373143 (VCV001373143.6), dbSNP rs2142850807, ClinGen allele CA2573146364.